The following is an entry in ClinVar:

NM_001134363.3(RBM20):c.3595G>A (p.Glu1199Lys)

Gene: RBM20 (RNA binding motif protein 20; plus strand). Cytogenetic location: 10q25.2.
Variant type: single nucleotide variant.
Coding change: c.3595G>A on transcript NM_001134363.3 (MANE Select); coding-DNA position 3595, G replaced by A.
Protein change: p.Glu1199Lys; replaces glutamic acid 1199 with lysine.
Molecular consequence: missense variant.
Genome position (GRCh38, 1-based): chr10:110,835,889, G>A. VCF-style: chr10-110835889-G-A. GRCh37 (hg19) VCF-style: chr10-112595647-G-A.
Other names: c.3595G>A (LRG_382t1); short protein forms E1199K.
Identifiers: ClinVar variation 264207 (VCV000264207.22), dbSNP rs777768807, ClinGen allele CA5688807.
Genomic context (GRCh38, chr10:110,835,889, plus strand): 5'-AACATGCCCCTTCCTCCACTTCCCCTCTTCTTTCCACAGAAATATTTGTCCCAGCTGGCC[G>A]AGGAGGGCCTCAAGGAGACCGAGGGGGCAGATAGCCCGAGGCCAGAGGACAGCGGAATCG-3'
Protein context (NP_001127835.2, residues 1189-1209): NLQKYLSQLA[Glu1199Lys]EGLKETEGAD

ClinVar aggregate classification (germline): Conflicting classifications of pathogenicity. Review status: criteria provided, conflicting classifications (1 of 4 stars). 7 submissions from 7 submitters: Uncertain significance (5); Benign (1); Likely benign (1). Last evaluated 2026-02-24.

Conditions:
Cardiovascular phenotype. Identifiers: MedGen CN230736.
Dilated cardiomyopathy 1DD (CMD1DD). Identifiers: Orphanet 154, MedGen C2750995, MONDO:0013168, OMIM 613172.

Allele frequency attached by ClinVar (database versions not stated): gnomAD 0.00009 and 0.00008; gnomAD exomes 0.00002 and 0.00003; ExAC 0.00005; TOPMed 0.00007.
gnomAD v4.1: 49 of 1,549,984 alleles (0.0032%); highest among the groups gnomAD compares: African/African-American, 0.011%; no homozygotes.

Submissions (7):

Ambry Genetics
Classification: Uncertain significance for Cardiovascular phenotype. Last evaluated: 2026-02-24. Review status: criteria provided, single submitter. Criteria: Ambry Variant Classification Scheme 2023. Collection method: clinical testing. Allele origin: germline.
Comment: The c.3595G>A (p.E1199K) alteration is located in exon 14 (coding exon 14) of the RBM20 gene. This alteration results from a G to A substitution at nucleotide position 3595, causing the glutamic acid (E) at amino acid position 1199 to be replaced by a lysine (K). Based on data from gnomAD, the A allele has an overall frequency of 0.004% (7/182198) total alleles studied. The highest observed frequency was 0.024% (4/16596) of African alleles. Based on insufficient or conflicting evidence, the clinical significance of this alteration remains unclear.

Labcorp Genetics (formerly Invitae), Labcorp
Classification: Benign for Dilated cardiomyopathy 1DD. Last evaluated: 2025-12-24. Review status: criteria provided, single submitter. Criteria: Invitae Variant Classification Sherloc (09022015). Collection method: clinical testing. Allele origin: germline.

Blueprint Genetics
Classification: Likely benign. Last evaluated: 2024-07-12. Review status: criteria provided, single submitter. Criteria: ACMG Guidelines, 2015. Collection method: clinical testing. Allele origin: germline.

Victorian Clinical Genetics Services, Murdoch Childrens Research Institute
Classification: Uncertain significance for Dilated cardiomyopathy 1DD. Last evaluated: 2022-02-02. Review status: criteria provided, single submitter. Criteria: ACMG Guidelines, 2015. Collection method: clinical testing. Allele origin: germline. Inheritance: Autosomal dominant inheritance. Affected: yes.
Comment: Based on the classification scheme VCGS_Germline_v1.3.4, this variant is classified as VUS-3C. Following criteria are met: 0102 - Loss of function is a known mechanism of disease in this gene and is associated with dilated cardiomyopathy, 1DD (MIM#613172). While some publications suggest a dominant negative mechanism for variants in the hotspot affecting residues between 630 and 640 (PMID: 32187365, PMID: 29895960), this has been recently disproven (PMID: 32840935). (I) 0107 - This gene is associated with autosomal dominant disease. (I) 0200 - Variant is predicted to result in a missense amino acid change from glutamic acid to lysine. (I) 0251 - This variant is heterozygous. (I) 0302 - Variant is present in gnomAD (v3) <0.001 for a dominant condition (12 heterozygotes, 0 homozygotes). (SP) 0503 - Missense variant consistently predicted to be tolerated by multiple in silico tools or not conserved in placental mammals with a minor amino acid change. (SB) 0604 - Variant is not located in an established domain, motif, hotspot or informative constraint region. (I) 0710 - Another missense variant comparable to the one identified in this case has inconclusive previous evidence for pathogenicity. An alternative change to an aspartic acid has been reported as VUS in ClinVar. (I) 0809 - Previous evidence of pathogenicity for this variant is inconclusive. This variant has been reported in two individuals with HCM and another individual with SIDS (PMID: 30847666, 32789579). It has also been reported as VUS in ClinVar. (I) 0905 - No published segregation evidence has been identified for this variant. (I) 1007 - No published functional evidence has been identified for this variant. (I) 1208 - Inheritance information for this variant is not currently available in this individual. (I) Legend: (SP) - Supporting pathogenic, (I) - Information, (SB) - Supporting benign

Clinical Genomics Laboratory, Stanford Medicine
Classification: Uncertain significance for Dilated cardiomyopathy 1DD. Last evaluated: 2021-12-30. Review status: criteria provided, single submitter. Criteria: ACMG Guidelines, 2015. Collection method: clinical testing. Allele origin: germline. Observed: 1 variant allele, 1 heterozygote.
Comment: The p.Glu1199Lys variant in the RBM20 gene has been previously reported in 3 unrelated individuals, 1 individual with sudden infant death syndrome and 2 individuals with dilated cardiomyopathy, 1 of whom had an additional variant in a different gene (Köffer et al., 2021; van Lint et al., 2019). This variant has also been identified in 4/16,596 African/African American chromosomes by the Genome Aggregation Database. Computational tools predict that this variant does not impact protein function; however, the accuracy of in silico algorithms is limited. These data were assessed using the ACMG/AMP variant interpretation guidelines. In summary, the significance of the p.Glu1199Lys variant is uncertain. Additional information is needed to resolve the significance of this variant. [ACMG evidence codes used: PM2]

Fulgent Genetics
Classification: Uncertain significance for Dilated cardiomyopathy 1DD. Last evaluated: 2021-10-28. Review status: criteria provided, single submitter. Criteria: ACMG Guidelines, 2015. Collection method: clinical testing. Allele origin: unknown.

GeneDx
Classification: Uncertain significance. Last evaluated: 2019-04-30. Review status: criteria provided, single submitter. Criteria: GeneDx Variant Classification Process June 2021. Collection method: clinical testing. Allele origin: germline. Affected: yes.
Comment: Has not been previously published as pathogenic or benign to our knowledge; Reported in ClinVar as a variant of uncertain significance by other clinical laboratories (ClinVar Variant ID# 264207; Landrum et al., 2016); In silico analysis, which includes protein predictors and evolutionary conservation, supports that this variant does not alter protein structure/function; This variant is associated with the following publications: (PMID: 30847666, 32789579)

Literature cited by the submitters: PubMed 29895960 (cited by Victorian Clinical Genetics Services, Murdoch Childrens Research Institute); PubMed 30847666 (cited by Victorian Clinical Genetics Services, Murdoch Childrens Research Institute and Clinical Genomics Laboratory, Stanford Medicine); PubMed 32187365 (cited by Victorian Clinical Genetics Services, Murdoch Childrens Research Institute); PubMed 32789579 (cited by Victorian Clinical Genetics Services, Murdoch Childrens Research Institute and Clinical Genomics Laboratory, Stanford Medicine); PubMed 32840935 (cited by Victorian Clinical Genetics Services, Murdoch Childrens Research Institute).